The following is an entry in ClinVar:

ClinVar aggregate classification (germline): Likely benign (1 of 4 stars; one submission).

Conditions:
Hypertrophic cardiomyopathy. Also called: HYPERTROPHIC MYOCARDIOPATHY. Identifiers: Orphanet 217569, MedGen C0007194, MeSH D002312, MONDO:0005045, HP:0001639.

Allele frequency attached by ClinVar (database versions not stated): ExAC 0.00001.

Submission:

All of Us Research Program, National Institutes of Health
Classification: Likely benign for Hypertrophic cardiomyopathy. Last evaluated: 2023-12-01. Review status: criteria provided, single submitter. Criteria: ACMG Guidelines, 2015. Collection method: clinical testing. Allele origin: germline. Inheritance: Autosomal dominant inheritance. Observed: 1 variant allele, 1 heterozygote.
Comment: This study involves interpretation of variants in research participants for the purpose of population health screening. Participant phenotype was not available at the time of variant classification. Additional details can be found in publication PMID: 35346344, PMCID: PMC8962531

NM_005159.5(ACTC1):c.198C>A (p.Ile66=)

Genes: GJD2-DT (GJD2 divergent transcript; plus strand), ACTC1 (actin alpha cardiac muscle 1; minus strand). Cytogenetic location: 15q14.
Variant type: single nucleotide variant.
Coding change: c.198C>A on transcript NM_005159.5 (MANE Select); coding-DNA position 198, C replaced by A.
Protein change: p.Ile66=; no amino-acid change (isoleucine 66 retained).
Molecular consequence: synonymous variant. On other transcripts: 5 prime UTR variant (1).
Genome position (GRCh38, 1-based): chr15:34,793,501, G>T on the plus strand (C>A on the coding strand, the complement: ACTC1 is on the minus strand). VCF-style: chr15-34793501-G-T. GRCh37 (hg19) VCF-style: chr15-35085702-G-T.
Other names: c.198C>A, p.Ile66= (NM_001406482.1, NM_001406483.1); c.63C>A, p.Ile21= (NM_001406484.1); c.-191C>A (NM_001406485.1).
Identifiers: ClinVar variation 3075658 (VCV003075658.1), dbSNP rs780724030, ClinGen allele CA041203.